The following is an entry in ClinVar:

NM_181453.4(GCC2):c.3345+7A>G

Gene: GCC2 (GRIP and coiled-coil domain containing 2; plus strand). Cytogenetic location: 2q12.3.
Variant type: single nucleotide variant.
Coding change: c.3345+7A>G on transcript NM_181453.4 (MANE Select); 7 bases into the intron after coding-DNA position 3345, A replaced by G.
Molecular consequence: intron variant.
Genome position (GRCh38, 1-based): chr2:108,482,458, A>G. VCF-style: chr2-108482458-A-G. GRCh37 (hg19) VCF-style: chr2-109098914-A-G.
Other names: c.3042+7A>G (NM_001410194.1).
Identifiers: ClinVar variation 4994399 (VCV004994399.1).

ClinVar aggregate classification (germline): Likely benign (1 of 4 stars; one submission).

Conditions:
GCC2-related disorder. Also called: GCC2-related condition.

gnomAD v4.1: 2 of 1,402,704 alleles (0.00014%); highest among the groups gnomAD compares: South Asian, 0.0024%; no homozygotes.

Submission:

PreventionGenetics, part of Exact Sciences
Classification: Likely benign for GCC2-related condition. Last evaluated: 2026-07-23. Review status: criteria provided, single submitter. Criteria: ACMG Guidelines, 2015. Collection method: clinical testing. Allele origin: germline.
Comment: This variant is classified as likely benign based on ACMG/AMP sequence variant interpretation guidelines (Richards et al. 2015 PMID: 25741868, with internal and published modifications).